The following is an entry in ClinVar:

ClinVar aggregate classification (germline): Pathogenic (1 of 4 stars; one submission).

Conditions:
Developmental and epileptic encephalopathy 94 (DEE94). Also called: Epileptic encephalopathy, childhood-onset; CHD2-Related Neurodevelopmental Disorders. Identifiers: Orphanet 1942, Orphanet 2382, MedGen C3809278, MONDO:0014150, OMIM 615369.

Submission:

Labcorp Genetics (formerly Invitae), Labcorp
Classification: Pathogenic for Developmental and epileptic encephalopathy 94. Last evaluated: 2022-05-20. Review status: criteria provided, single submitter. Criteria: Invitae Variant Classification Sherloc (09022015). Collection method: clinical testing. Allele origin: germline.
Comment: For these reasons, this variant has been classified as Pathogenic. This variant has not been reported in the literature in individuals affected with CHD2-related conditions. This variant is a gross deletion of the genomic region encompassing exon(s) 8-19 of the CHD2 gene. This deletion is out-of-frame, and is expected to create a premature termination codon and result in an absent or disrupted protein product. Loss-of-function variants in CHD2 are known to be pathogenic (PMID: 23708187, 24207121).

Literature cited by the submitters: PubMed 23708187; PubMed 24207121.

NC_000015.9:g.(?_93485032)_(93515667_?)del

Gene: CHD2 (chromodomain helicase DNA binding protein 2; plus strand). Cytogenetic location: 15q26.1.
Variant type: Deletion.
Identifiers: ClinVar variation 2424059 (VCV002424059.6).